The following is an entry in ClinVar:

NM_001374828.1(ARID1B):c.2381_2382delinsTA (p.Ala794Val)

Gene: ARID1B (AT-rich interaction domain 1B; plus strand). Cytogenetic location: 6q25.3.
Variant type: Indel.
Coding change: c.2381_2382delinsTA on transcript NM_001374828.1 (MANE Select); coding-DNA positions 2381 to 2382, CG replaced by TA.
Protein change: p.Ala794Val; replaces alanine 794 with valine.
Molecular consequence: missense variant. On other transcripts: 5 prime UTR variant (1).
Genome position (GRCh38, 1-based): chr6:157,084,795-157,084,796, CG replaced by TA. VCF-style: chr6-157084795-CG-TA. GRCh37 (hg19) VCF-style: chr6-157405929-CG-TA.
Other names: c.2132_2133delCGinsTA, p.Ala711Val (NM_001346813.1); c.-119_-118delinsTA (NM_001363725.2); c.2420_2421delinsTA, p.Ala807Val (NM_001371656.1, NM_001374820.1); c.2381_2382delinsTA, p.Ala794Val (NM_017519.3); c.2171_2172delCGinsTA, p.Ala724Val (NM_020732.3); c.1958_1959delCGinsTA, p.Ala653Val (NM_175863.2); short protein forms A711V, A794V, A807V, A653V, A724V.
Identifiers: ClinVar variation 3019133 (VCV003019133.3), dbSNP rs2537081405, ClinGen allele CA2740091534.

ClinVar aggregate classification (germline): Uncertain significance (1 of 4 stars; one submission).

Submission:

Labcorp Genetics (formerly Invitae), Labcorp
Classification: Uncertain significance. Last evaluated: 2023-02-19. Review status: criteria provided, single submitter. Criteria: Invitae Variant Classification Sherloc (09022015). Collection method: clinical testing. Allele origin: germline.
Comment: Information on the frequency of this variant in the gnomAD database is not available, as this variant may be reported differently in the database. This sequence change replaces alanine, which is neutral and non-polar, with valine, which is neutral and non-polar, at codon 724 of the ARID1B protein (p.Ala724Val). In summary, the available evidence is currently insufficient to determine the role of this variant in disease. Therefore, it has been classified as a Variant of Uncertain Significance. An algorithm developed to predict the effect of missense changes on protein structure and function (PolyPhen-2) suggests that this variant is likely to be disruptive. This variant has not been reported in the literature in individuals affected with ARID1B-related conditions.